The following is an entry in ClinVar:

NM_000937.5(POLR2A):c.4549A>T (p.Met1517Leu)

Gene: POLR2A (RNA polymerase II subunit A; plus strand). Cytogenetic location: 17p13.1.
Variant type: single nucleotide variant.
Coding change: c.4549A>T on transcript NM_000937.5 (MANE Select); coding-DNA position 4549, A replaced by T.
Protein change: p.Met1517Leu; replaces methionine 1517 with leucine.
Molecular consequence: missense variant.
Genome position (GRCh38, 1-based): chr17:7,512,533, A>T. VCF-style: chr17-7512533-A-T. GRCh37 (hg19) VCF-style: chr17-7415852-A-T.
Other names: short protein forms M1517L.
Identifiers: ClinVar variation 1314365 (VCV001314365.2), dbSNP rs2150890285, ClinGen allele CA397829283.

ClinVar aggregate classification (germline): Uncertain significance (1 of 4 stars; one submission).

Submission:

GeneDx
Classification: Uncertain significance. Last evaluated: 2021-04-12. Review status: criteria provided, single submitter. Criteria: GeneDx Variant Classification Process June 2021. Collection method: clinical testing. Allele origin: germline. Affected: yes.
Comment: Not observed in large population cohorts (Lek et al., 2016); In silico analysis supports that this missense variant does not alter protein structure/function; Has not been previously published as pathogenic or benign to our knowledge